The following is an entry in ClinVar:

NM_000059.4(BRCA2):c.2376C>A (p.Tyr792Ter)

Gene: BRCA2 (BRCA2 DNA repair associated; plus strand). Cytogenetic location: 13q13.1.
Variant type: single nucleotide variant.
Coding change: c.2376C>A on transcript NM_000059.4 (MANE Select); coding-DNA position 2376, C replaced by A.
Protein change: p.Tyr792Ter; replaces tyrosine 792 with a stop codon.
Molecular consequence: nonsense.
Genome position (GRCh38, 1-based): chr13:32,336,731, C>A. VCF-style: chr13-32336731-C-A. GRCh37 (hg19) VCF-style: chr13-32910868-C-A.
Other names: 2604C>A; short protein forms Y792*.
Identifiers: ClinVar variation 51274 (VCV000051274.46), dbSNP rs80358503, ClinGen allele CA015072.

ClinVar aggregate classification (germline): Pathogenic. Review status: reviewed by expert panel (3 of 4 stars). 13 submissions from 13 submitters: Pathogenic (1). 12 of the submissions do not count toward it. Last evaluated 2016-09-08.

Conditions:
Hereditary cancer-predisposing syndrome. Also called: Neoplastic Syndromes, Hereditary; Tumor predisposition; Hereditary Cancer Syndrome; Hereditary neoplastic syndrome. Identifiers: Orphanet 140162, MedGen C0027672, MeSH D009386, MONDO:0015356.
Hereditary breast ovarian cancer syndrome. Also called: Hereditary breast and ovarian cancer syndrome; Hereditary breast and ovarian cancer; Hereditary breast and ovarian cancer syndrome (HBOC); Breast and ovarian cancer; Hereditary breast and/or ovarian cancer syndrome; BRCA1- and BRCA2-Associated Hereditary Breast and Ovarian Cancer. Identifiers: Orphanet 145, MedGen C0677776, MeSH D061325, MONDO:0003582. Disease mechanism: loss of function.
Breast-ovarian cancer, familial, susceptibility to, 2 (BROVCA2). Also called: BRCA2 Hereditary Breast and Ovarian Cancer. Identifiers: Orphanet 145, MedGen C2675520, MONDO:0012933, OMIM 612555. Disease mechanism: loss of function.
Familial cancer of breast. Also called: BREAST CANCER, FAMILIAL; Hereditary breast cancer; hereditary breast carcinoma. Identifiers: Orphanet 227535, MedGen C0346153, MONDO:0016419, OMIM 114480. Disease mechanism: loss of function.

Allele frequency attached by ClinVar (database versions not stated): gnomAD exomes below 0.00001.

Submissions (13):

Evidence-based Network for the Interpretation of Germline Mutant Alleles (ENIGMA)
Classification: Pathogenic for Breast-ovarian cancer, familial, susceptibility to, 2. Last evaluated: 2016-09-08. Review status: reviewed by expert panel. Criteria: ENIGMA BRCA1/2 Classification Criteria (2015). Collection method: curation. Allele origin: germline.
Comment: Variant allele predicted to encode a truncated non-functional protein.

Labcorp Genetics (formerly Invitae), Labcorp
Classification: Pathogenic for Hereditary breast ovarian cancer syndrome. Last evaluated: 2026-02-03. Review status: criteria provided, single submitter. Criteria: Invitae Variant Classification Sherloc (09022015). Collection method: clinical testing. Allele origin: germline. Not counted in ClinVar's aggregate classification.
Comment: This sequence change creates a premature translational stop signal (p.Tyr792*) in the BRCA2 gene. It is expected to result in an absent or disrupted protein product. Loss-of-function variants in BRCA2 are known to be pathogenic (PMID: 20104584). This variant is present in population databases (rs80358503, gnomAD 0.0009%). This premature translational stop signal has been observed in individual(s) with breast cancer (PMID: 15876480, 18286383). This variant is also known as 2604C>A. ClinVar contains an entry for this variant (Variation ID: 51274). For these reasons, this variant has been classified as Pathogenic.

Quest Diagnostics Nichols Institute San Juan Capistrano
Classification: Pathogenic. Last evaluated: 2025-03-25. Review status: criteria provided, single submitter. Criteria: Quest Diagnostics criteria. Collection method: clinical testing. Allele origin: unknown. Not counted in ClinVar's aggregate classification.
Comment: The BRCA2 c.2376C>A (p.Tyr792*) variant causes the premature termination of BRCA2 protein synthesis. This variant has been reported in the published literature in individuals with breast and/or ovarian cancer (PMIDs: 15876480 (2006), 18286383 (2008), 28888541 (2017), 29446198 (2018), 31589614 (2019), and 34413315 (2021)), as well as pancreatic cancer (PMID: 29625052 (2018)). The frequency of this variant in the general population (Genome Aggregation Database) is consistent with pathogenicity. Based on the available information, this variant is classified as pathogenic.

Ambry Genetics
Classification: Pathogenic for Hereditary cancer-predisposing syndrome. Last evaluated: 2024-08-16. Review status: criteria provided, single submitter. Criteria: Ambry Variant Classification Scheme 2023. Collection method: clinical testing. Allele origin: germline. Not counted in ClinVar's aggregate classification.
Comment: The p.Y792* pathogenic mutation (also known as c.2376C>A), located in coding exon 10 of the BRCA2 gene, results from a C to A substitution at nucleotide position 2376. This changes the amino acid from a tyrosine to a stop codon within coding exon 10. This mutation (designated as 2604C>A) has been identified in a Spanish high-risk breast cancer family (Salazar R et al. Cancer Lett, 2006 Feb;233:172-7). In addition to the clinical data presented in the literature, this alteration is expected to result in loss of function by premature protein truncation or nonsense-mediated mRNA decay. As such, this alteration is interpreted as a disease-causing mutation.

GeneDx
Classification: Pathogenic. Last evaluated: 2023-11-21. Review status: criteria provided, single submitter. Criteria: GeneDx Variant Classification Process June 2021. Collection method: clinical testing. Allele origin: germline. Affected: yes. Not counted in ClinVar's aggregate classification.
Comment: Nonsense variant predicted to result in protein truncation or nonsense mediated decay in a gene for which loss-of-function is a known mechanism of disease; Observed in individuals with a personal or family history consistent with pathogenic variants in this gene (PMID: 15876480, 28888541, 28111427, 29673794); Truncating variants in this gene are considered pathogenic by a well-established clinical consortium and/or database; Not observed at significant frequency in large population cohorts (gnomAD); Also known as 2604C>A; This variant is associated with the following publications: (PMID: 34413315, 15876480, 29446198, 30720243, 25525159, 31589614, 28127413, 18286383, 29673794, 28111427, 28888541, 29922827, 29625052)

Baylor Genetics
Classification: Pathogenic for Familial cancer of breast. Last evaluated: 2023-04-20. Review status: criteria provided, single submitter. Criteria: ACMG Guidelines, 2015. Collection method: clinical testing. Allele origin: unknown. Not counted in ClinVar's aggregate classification.

Women's Health and Genetics/Laboratory Corporation of America, LabCorp
Classification: Pathogenic for Hereditary breast ovarian cancer syndrome. Last evaluated: 2021-11-26. Review status: criteria provided, single submitter. Criteria: LabCorp Variant Classification Summary - May 2015. Collection method: clinical testing. Allele origin: germline. Not counted in ClinVar's aggregate classification.
Comment: Variant summary: BRCA2 c.2376C>A (p.Tyr792X) results in a premature termination codon, predicted to cause a truncation of the encoded protein or absence of the protein due to nonsense mediated decay, which are commonly known mechanisms for disease. Truncations downstream of this position have been classified as pathogenic by our laboratory. The variant allele was found at a frequency of 4e-06 in 250538 control chromosomes (gnomAD). c.2376C>A has been reported in the literature in individuals affected with Hereditary Breast and Ovarian Cancer Syndrome(e.g. Rebbeck_2018, Park_2018). These data indicate that the variant is likely to be associated with disease. To our knowledge, no experimental evidence demonstrating an impact on protein function has been reported. Seven submitters, including an expert panel (ENIGMA), have provided clinical-significance assessments for this variant in ClinVar after 2014, and all classified the variant as pathogenic. Based on the evidence outlined above, the variant was classified as pathogenic.

Color Diagnostics, LLC DBA Color Health
Classification: Pathogenic for Hereditary cancer-predisposing syndrome. Last evaluated: 2020-11-06. Review status: criteria provided, single submitter. Criteria: ACMG Guidelines, 2015. Collection method: clinical testing. Allele origin: germline. Not counted in ClinVar's aggregate classification.
Comment: This variant changes 1 nucleotide in exon 11 of the BRCA2 gene, creating a premature translation stop signal. This variant is expected to result in an absent or non-functional protein product. To our knowledge, functional studies have not been reported for this variant. This variant has been reported in individuals affected with breast cancer (PMID: 15876480, 18286383). This variant has been identified in 1/250538 chromosomes in the general population by the Genome Aggregation Database (gnomAD). Loss of BRCA2 function is a known mechanism of disease. Based on the available evidence, this variant is classified as Pathogenic.

Consortium of Investigators of Modifiers of BRCA1/2 (CIMBA), c/o University of Cambridge
Classification: Pathogenic for Breast-ovarian cancer, familial, susceptibility to, 2. Last evaluated: 2015-10-02. Review status: criteria provided, single submitter. Criteria: CIMBA Mutation Classification guidelines May 2016. Collection method: clinical testing. Allele origin: germline. Not counted in ClinVar's aggregate classification.

BRCAlab, Lund University
Classification: Pathogenic for Breast-ovarian cancer, familial, susceptibility to, 2. Last evaluated: 2022-08-26. Review status: no assertion criteria provided. Collection method: clinical testing. Allele origin: germline. Affected: yes. Not counted in ClinVar's aggregate classification.

Counsyl
Classification: Pathogenic for Breast-ovarian cancer, familial, susceptibility to, 2. Last evaluated: 2016-03-25. Review status: no assertion criteria provided. Collection method: clinical testing. Allele origin: unknown. Not counted in ClinVar's aggregate classification.

Sharing Clinical Reports Project (SCRP)
Classification: Pathogenic for Breast-ovarian cancer, familial 2. Last evaluated: 2007-01-18. Review status: no assertion criteria provided. Collection method: clinical testing. Allele origin: germline. Not counted in ClinVar's aggregate classification.

Breast Cancer Information Core (BIC) (BRCA2)
Classification: Pathogenic for Breast-ovarian cancer, familial 2. Last evaluated: 2003-05-22. Review status: no assertion criteria provided. Collection method: clinical testing. Allele origin: germline. Affected: yes. Observed: 1 variant allele. Not counted in ClinVar's aggregate classification.

Literature cited by the submitters: PubMed 20104584 (cited by Labcorp Genetics (formerly Invitae), Labcorp); PubMed 15876480 (cited by 4 submitters); PubMed 18286383 (cited by 3 submitters); PubMed 31589614 (cited by Quest Diagnostics Nichols Institute San Juan Capistrano); PubMed 34413315 (cited by Quest Diagnostics Nichols Institute San Juan Capistrano); PubMed 39838196 (cited by Quest Diagnostics Nichols Institute San Juan Capistrano); PubMed 28888541 (cited by Quest Diagnostics Nichols Institute San Juan Capistrano); PubMed 29625052 (cited by Quest Diagnostics Nichols Institute San Juan Capistrano); PubMed 30720243 (cited by Quest Diagnostics Nichols Institute San Juan Capistrano); PubMed 29446198 (cited by Quest Diagnostics Nichols Institute San Juan Capistrano and Women's Health and Genetics/Laboratory Corporation of America, LabCorp); PubMed 28127413 (cited by Quest Diagnostics Nichols Institute San Juan Capistrano); PubMed 26295337 (cited by Quest Diagnostics Nichols Institute San Juan Capistrano); PubMed 29673794 (cited by Women's Health and Genetics/Laboratory Corporation of America, LabCorp).